The following is an entry in ClinVar:

ClinVar aggregate classification (germline): Benign/Likely benign. Review status: criteria provided, multiple submitters, no conflicts (2 of 4 stars). 6 submissions from 6 submitters: Benign (4); Likely benign (2). Last evaluated 2026-02-03.

Conditions:
Autoinflammatory syndrome. Identifiers: Orphanet 93665, MedGen C3890737, MONDO:0019751.
Pityriasis rubra pilaris (PRP). Also called: Pityriasis rubra pilaris--familial type. Identifiers: Orphanet 2897, MedGen C0032027, MONDO:0100017, OMIM 173200, MONDO:0008251.
Psoriasis 2. Identifiers: MedGen C1864497, MONDO:0011269, OMIM 602723.

Allele frequency attached by ClinVar (database versions not stated): TOPMed 0.00911; gnomAD 0.00959 and 0.01073; ESP Exome Variant Server 0.01230; gnomAD exomes 0.01368; 1000 Genomes Project 30x 0.01530; 1000 Genomes Project 0.01558; ExAC 0.01650.
gnomAD v4.1: 23,082 of 1,612,032 alleles (1.4%); highest among the groups gnomAD compares: South Asian, 4.4%; 273 homozygotes.

Submissions (6):

Labcorp Genetics (formerly Invitae), Labcorp
Classification: Benign for Pityriasis rubra pilaris; Psoriasis 2. Last evaluated: 2026-02-03. Review status: criteria provided, single submitter. Criteria: Invitae Variant Classification Sherloc (09022015). Collection method: clinical testing. Allele origin: germline.

Women's Health and Genetics/Laboratory Corporation of America, LabCorp
Classification: Likely benign. Last evaluated: 2026-01-21. Review status: criteria provided, single submitter. Criteria: LabCorp Variant Classification Summary - May 2015. Collection method: clinical testing. Allele origin: germline.

Blueprint Genetics
Classification: Likely benign. Last evaluated: 2024-11-27. Review status: criteria provided, single submitter. Criteria: ACMG Guidelines, 2015. Collection method: clinical testing. Allele origin: germline.

Mayo Clinic Laboratories, Mayo Clinic
Classification: Benign. Last evaluated: 2024-01-30. Review status: criteria provided, single submitter. Criteria: ACMG Guidelines, 2015. Collection method: clinical testing. Allele origin: germline. Observed: 28 variant alleles.
Comment: BS1, BS2, BP4

Genome Diagnostics Laboratory, The Hospital for Sick Children
Classification: Benign for Autoinflammatory syndrome. Last evaluated: 2022-01-29. Review status: criteria provided, single submitter. Criteria: ACMG Guidelines, 2015. Collection method: clinical testing. Allele origin: germline. Affected: yes.

Breakthrough Genomics
Classification: Benign. Review status: criteria provided, single submitter. Criteria: ACMG Guidelines, 2015. Collection method: not provided. Allele origin: germline. Inheritance: Autosomal dominant inheritance. Affected: yes.

NM_001366385.1(CARD14):c.1517C>T (p.Pro506Leu)

Gene: CARD14 (caspase recruitment domain family member 14; plus strand). Cytogenetic location: 17q25.3.
Variant type: single nucleotide variant.
Coding change: c.1517C>T on transcript NM_001366385.1 (MANE Select); coding-DNA position 1517, C replaced by T.
Protein change: p.Pro506Leu; replaces proline 506 with leucine.
Molecular consequence: missense variant. On other transcripts: non-coding transcript variant (1).
Genome position (GRCh38, 1-based): chr17:80,195,575, C>T. VCF-style: chr17-80195575-C-T. GRCh37 (hg19) VCF-style: chr17-78169374-C-T.
Other names: p.Pro506Leu; c.1517C>T, p.Pro506Leu (NM_024110.4, NM_001257970.1); c.806C>T, p.Pro269Leu (NM_052819.3); short protein forms P506L, P269L.
Identifiers: ClinVar variation 458088 (VCV000458088.18), dbSNP rs61751630, ClinGen allele CA8816855.